The following is an entry in ClinVar:

ClinVar aggregate classification (germline): Likely pathogenic (1 of 4 stars; one submission).

Conditions:
Ehlers-Danlos syndrome, type 4 (EDSVASC). Also called: Ehlers-Danlos Syndrome Type IV; Ehlers-Danlos syndrome vascular type; Ehlers Danlos syndrome, ecchymotic type; Ehlers Danlos syndrome, arterial type; Ehlers Danlos syndrome, Sack-Barabas type. Identifiers: Orphanet 286, MedGen C0268338, MONDO:0017314, OMIM 130050.

Submission:

Labcorp Genetics (formerly Invitae), Labcorp
Classification: Likely pathogenic for Ehlers-Danlos syndrome, type 4. Last evaluated: 2016-05-22. Review status: criteria provided, single submitter. Criteria: Invitae Variant Classification Sherloc (09022015). Collection method: clinical testing. Allele origin: germline.
Comment: This variant is a gross duplication of the genomic region encompassing exons 6-11 of the COL3A1 gene. While the exact position of the duplicated exons cannot be determined from this data, the duplicated copy of this region is likely in tandem and in-frame, therefore preserving the integrity of the reading frame. This variant is not present in population databases (ExAC no frequency) and has not been reported in the literature in individuals with a COL3A1-related disease. This variant duplicates a portion of the triple helix region of COL3A1. Glycine residues within the triple helix region are important for fibrillar collagens structure and stability (PMID: 7695699, 19344236). In the case of COL3A1, the majority of missense substitutions within the triple helix domain affect glycine residues (PMID: 24922459, 25758994). This variant extends the length of the triple helical domain and would likely destabilize the structure. Because this variant is expected to disrupt the stability of the triple helical region of the COL3A1 gene, it has been classified as Likely Pathogenic.

NC_000002.11:g.(?_189852807)_(189855783_?)dup

Gene: COL3A1 (collagen type III alpha 1 chain; plus strand). Cytogenetic location: 2q32.2.
Variant type: Duplication.
Identifiers: ClinVar variation 417330 (VCV000417330.1).